The following is an entry in ClinVar:

NM_001367721.1(CASK):c.295C>G (p.Leu99Val)

Gene: CASK (calcium/calmodulin dependent serine protein kinase; minus strand). Cytogenetic location: Xp11.4.
Variant type: single nucleotide variant.
Coding change: c.295C>G on transcript NM_001367721.1 (MANE Select); coding-DNA position 295, C replaced by G.
Protein change: p.Leu99Val; replaces leucine 99 with valine.
Molecular consequence: missense variant.
Genome position (GRCh38, 1-based): chrX:41,745,585, G>C on the plus strand (C>G on the coding strand, the complement: CASK is on the minus strand). VCF-style: chrX-41745585-G-C. GRCh37 (hg19) VCF-style: chrX-41604838-G-C.
Other names: c.295C>G, p.Leu99Val (NM_001126054.3, NM_001126055.3, NM_001410745.1 and 1 more transcripts); short protein forms L99V.
Identifiers: ClinVar variation 4686252 (VCV004686252.1).

ClinVar aggregate classification (germline): Uncertain significance (1 of 4 stars; one submission).

Submission:

GeneDx
Classification: Uncertain significance. Last evaluated: 2025-07-15. Review status: criteria provided, single submitter. Criteria: GeneDx Variant Classification Process June 2021. Collection method: clinical testing. Allele origin: germline. Affected: yes.
Comment: Not observed at significant frequency in large population cohorts (gnomAD); In silico analysis suggests that this missense variant does not alter protein structure/function; Has not been previously published as pathogenic or benign to our knowledge